The following is an entry in ClinVar:

ClinVar aggregate classification (germline): other (0 of 4 stars; one submission).

Conditions:
Familial colorectal cancer. Identifiers: MedGen CN280943, MONDO:0023113. Disease mechanism: loss of function.

Allele frequency attached by ClinVar (database versions not stated): gnomAD 0.60302 and 0.61245; TOPMed 0.62199; 1000 Genomes Project 30x 0.67067; 1000 Genomes Project 0.67552.
gnomAD v4.1: 93,143 of 152,022 alleles (61%); highest among the groups gnomAD compares: East Asian, 82%; 28,981 homozygotes.

Submission:

Systems Biology Platform Zhejiang California International NanoSystems Institute
Classification: other for Familial colorectal cancer. Review status: no assertion criteria provided. Collection method: not provided. Allele origin: unknown.
ClinVar note: Converted during submission from cancer to other.

NM_000038.6(APC):c.1959-464G>T

Gene: APC (APC regulator of WNT signaling pathway; plus strand). Cytogenetic location: 5q22.2.
Variant type: single nucleotide variant.
Coding change: c.1959-464G>T on transcript NM_000038.6 (MANE Select); 464 bases into the intron before coding-DNA position 1959, G replaced by T.
Molecular consequence: intron variant.
Genome position (GRCh38, 1-based): chr5:112,837,089, G>T. VCF-style: chr5-112837089-G-T. GRCh37 (hg19) VCF-style: chr5-112172786-G-T.
Other names: c.1959-464G>T (NM_001354895.2, NM_001127510.3); c.1989-464G>T (NM_001354897.2); c.1686-464G>T (NM_001354902.2); c.1905-464G>T (NM_001127511.3); c.1884-464G>T (NM_001354898.2); c.1581-464G>T (NM_001354904.2); c.1110-464G>T (NM_001354906.2); c.2013-464G>T (NM_001354896.2); and 5 more.
Identifiers: ClinVar variation 83228 (VCV000083228.2), dbSNP rs1966477, ClinGen allele CA006822.